The following is an entry in ClinVar:

NM_014874.4(MFN2):c.664G>C (p.Val222Leu)

Gene: MFN2 (mitofusin 2; plus strand). Cytogenetic location: 1p36.22.
Variant type: single nucleotide variant.
Coding change: c.664G>C on transcript NM_014874.4 (MANE Select); coding-DNA position 664, G replaced by C.
Protein change: p.Val222Leu; replaces valine 222 with leucine.
Molecular consequence: missense variant.
Genome position (GRCh38, 1-based): chr1:11,998,834, G>C. VCF-style: chr1-11998834-G-C. GRCh37 (hg19) VCF-style: chr1-12058891-G-C.
Other names: c.664G>C, p.Val222Leu (NM_001127660.2); short protein forms V222L.
Identifiers: ClinVar variation 1526418 (VCV001526418.3), dbSNP rs2100831816, ClinGen allele CA338438242.

ClinVar aggregate classification (germline): Likely pathogenic (1 of 4 stars; one submission).

Conditions:
Tip-toe gait. Also called: Toe walking. Identifiers: MedGen C0427144, HP:0030051.

Submission:

Practice for Gait Abnormalities, David Pomarino, Competency Network Toe Walking C/o Practice Pomarino
Classification: Likely pathogenic for Tip-toe gait. Last evaluated: 2022-02-18. Review status: criteria provided, single submitter. Criteria: ACMG Guidelines, 2015. Collection method: clinical testing. Allele origin: germline. Affected: yes.
Comment: Hereditary motor sensory neuropathy (HMSN), also known as Charcot-Marie-Tooth Disease (CMT), is the most commonly inherited peripheral polyneuropathy. It constitutes a group of inherited, progressive, motor and sensory peripheral nerve disorders with properties of demyelination, axonal degeneration, or both. It is classified by clinical characteristics, modes of inheritance, electrophysiologic features, metabolic defects, and specific gene markers. Our patients all walk on tiptoe, so they show similar symptoms. When we genetically test them with our toe walking panel, we find that around 90 per cent of them have a genetic variant that explains their toe walking. These can be assigned, for example, to the area of myopathies (such as variants of the COL6A3 gene), the area of hereditary neuropathies (such as variants of the KMT2C gene) or the area of metabolic diseases (such as variants of the PYGM gene). In a smaller group of patients with almost identical symptoms, no abnormality is found in the genes of our panel, but spastic paraplegia can be detected. In another small group of our toe walkers, no abnormalities can be detected in the genes analysed in our toe walking panel, nor do they suffer from spastic paraplegia, as is also the case with healthy children. In contrast to these, however, they show a tiptoe gait. These patients suffer from infantile cerebral palsy, in which toe walking can also be observed.

Literature cited by the submitters: PubMed 37091313.